The following is an entry in ClinVar:

NC_000008.10:g.(?_31007847)_(31015056_?)del

Gene: WRN (WRN RecQ like helicase; plus strand). Cytogenetic location: 8p12.
Variant type: Deletion.
Identifiers: ClinVar variation 1071704 (VCV001071704.5).

ClinVar aggregate classification (germline): Pathogenic (1 of 4 stars; one submission).

Conditions:
Werner syndrome (WRN). Identifiers: Orphanet 902, MedGen C0043119, MONDO:0010196, OMIM 277700.

Submission:

Labcorp Genetics (formerly Invitae), Labcorp
Classification: Pathogenic for Werner syndrome. Last evaluated: 2022-10-13. Review status: criteria provided, single submitter. Criteria: Invitae Variant Classification Sherloc (09022015). Collection method: clinical testing. Allele origin: germline.
Comment: This variant is a gross deletion of the genomic region encompassing exon(s) 31-33 of the WRN gene. This deletion is out-of-frame, and is expected to create a premature termination codon and result in an absent or disrupted protein product. Loss-of-function variants in WRN are known to be pathogenic (PMID: 16673358). This variant has not been reported in the literature in individuals affected with WRN-related conditions. For these reasons, this variant has been classified as Pathogenic.

Literature cited by the submitters: PubMed 16673358.